The following is an entry in ClinVar:

ClinVar aggregate classification (germline): Uncertain significance (1 of 4 stars; one submission).

Submission:

Labcorp Genetics (formerly Invitae), Labcorp
Classification: Uncertain significance. Last evaluated: 2025-02-23. Review status: criteria provided, single submitter. Criteria: Invitae Variant Classification Sherloc (09022015). Collection method: clinical testing. Allele origin: germline.
Comment: This sequence change replaces valine, which is neutral and non-polar, with methionine, which is neutral and non-polar, at codon 463 of the DUOX2 protein (p.Val463Met). This variant is not present in population databases (gnomAD no frequency). This variant has not been reported in the literature in individuals affected with DUOX2-related conditions. Invitae Evidence Modeling of protein sequence and biophysical properties (such as structural, functional, and spatial information, amino acid conservation, physicochemical variation, residue mobility, and thermodynamic stability) indicates that this missense variant is not expected to disrupt DUOX2 protein function with a negative predictive value of 80%. In summary, the available evidence is currently insufficient to determine the role of this variant in disease. Therefore, it has been classified as a Variant of Uncertain Significance.

NM_001363711.2(DUOX2):c.1387G>A (p.Val463Met)

Gene: DUOX2 (dual oxidase 2; minus strand). Cytogenetic location: 15q21.1.
Variant type: single nucleotide variant.
Coding change: c.1387G>A on transcript NM_001363711.2 (MANE Select); coding-DNA position 1387, G replaced by A.
Protein change: p.Val463Met; replaces valine 463 with methionine.
Molecular consequence: missense variant.
Genome position (GRCh38, 1-based): chr15:45,108,800, C>T on the plus strand (G>A on the coding strand, the complement: DUOX2 is on the minus strand). VCF-style: chr15-45108800-C-T. GRCh37 (hg19) VCF-style: chr15-45400998-C-T.
Other names: c.1387G>A, p.Val463Met (NM_014080.5); short protein forms V463M.
Identifiers: ClinVar variation 4738141 (VCV004738141.1).